The following is an entry in ClinVar:

NM_014714.4(IFT140):c.212C>T (p.Pro71Leu)

Genes: IFT140 (intraflagellar transport 140; minus strand), LOC105371046 (uncharacterized LOC105371046; plus strand). Cytogenetic location: 16p13.3.
Variant type: single nucleotide variant.
Coding change: c.212C>T on transcript NM_014714.4 (MANE Select); coding-DNA position 212, C replaced by T.
Protein change: p.Pro71Leu; replaces proline 71 with leucine.
Molecular consequence: missense variant.
Genome position (GRCh38, 1-based): chr16:1,602,527, G>A on the plus strand (C>T on the coding strand, the complement: IFT140 is on the minus strand). VCF-style: chr16-1602527-G-A. GRCh37 (hg19) VCF-style: chr16-1652528-G-A.
Other names: short protein forms P71L.
Identifiers: ClinVar variation 987250 (VCV000987250.19), dbSNP rs772757427, ClinGen allele CA7814778.
Genomic context (GRCh38, chr16:1,602,527, plus strand): 5'-TGCTTGTTAAACACCGTCACTTCTCCAGTCTCCCAGCCCACAGCCAGCACCAGCCGCGTC[G>A]GGTGCCAGCACAGGGAAGCAACCCGGAACGGCCTCTCGACGTGTGTATCTGGCACGCACT-3'
Protein context (NP_055529.2, residues 61-81): PFRVASLCWH[Pro71Leu]TRLVLAVGWE

ClinVar aggregate classification (germline): Conflicting classifications of pathogenicity. Review status: criteria provided, conflicting classifications (1 of 4 stars). 7 submissions from 7 submitters: Pathogenic (3); Likely pathogenic (3); Uncertain significance (1). Last evaluated 2025-06-05.

Conditions:
Retinitis pigmentosa 80 (RP80). Identifiers: MedGen C4540439, MONDO:0054708, OMIM 617781.
Saldino-Mainzer syndrome (SRTD9). Also called: SHORT-RIB THORACIC DYSPLASIA 9 WITHOUT POLYDACTYLY; Renal dysplasia, retinal pigmentary dystrophy, cerebellar ataxia and skeletal dysplasia; CONORENAL SYNDROME; short-rib thoracic dysplasia 9 with or without polydactyly. Identifiers: Orphanet 140969, MedGen C1849437, MONDO:0009964, OMIM 266920.
Retinitis pigmentosa (RP). Identifiers: Orphanet 791, MedGen C0035334, MeSH D012174, MONDO:0019200, OMIM 268000. Inheritance: Autosomal dominant, autosomal recessive and X linked inheritance.

Allele frequency attached by ClinVar (database versions not stated): TOPMed below 0.00001; ExAC 0.00001; gnomAD 0.00002; gnomAD exomes 0.00002.
gnomAD v4.1: 43 of 1,613,908 alleles (0.0027%); highest among the groups gnomAD compares: African/African-American, 0.004%; no homozygotes.

Submissions (7):

Women's Health and Genetics/Laboratory Corporation of America, LabCorp
Classification: Pathogenic for Retinitis pigmentosa. Last evaluated: 2025-06-05. Review status: criteria provided, single submitter. Criteria: LabCorp Variant Classification Summary - May 2015. Collection method: clinical testing. Allele origin: germline.
Comment: Variant summary: IFT140 c.212C>T (p.Pro71Leu) results in a non-conservative amino acid change located in the WD40/YVTN repeat-like-containing domain superfamily of the encoded protein sequence. Algorithms developed to predict the effect of missense changes on protein structure and function are either unavailable or do not agree on the potential impact of this missense change. The variant allele was found at a frequency of 2e-05 in 251226 control chromosomes. c.212C>T has been observed in multiple individuals affected with Retinitis Pigmentosa (Xu_2015, Low_2018, Weisschuh_2024, internal_testing). These data indicate that the variant is very likely to be associated with disease. To our knowledge, no experimental evidence demonstrating an impact on protein function has been reported. The following publications have been ascertained in the context of this evaluation (PMID: 31054281, 29111861, 26216056, 37734845). ClinVar contains an entry for this variant (Variation ID: 987250). Based on the evidence outlined above, the variant was classified as pathogenic.

Labcorp Genetics (formerly Invitae), Labcorp
Classification: Pathogenic for Saldino-Mainzer syndrome. Last evaluated: 2025-04-17. Review status: criteria provided, single submitter. Criteria: Invitae Variant Classification Sherloc (09022015). Collection method: clinical testing. Allele origin: germline.
Comment: This sequence change replaces proline, which is neutral and non-polar, with leucine, which is neutral and non-polar, at codon 71 of the IFT140 protein (p.Pro71Leu). This variant is present in population databases (rs772757427, gnomAD 0.004%). This missense change has been observed in individual(s) with inherited retinal dystrophy and/or retinitis pigmentosa (PMID: 26216056, 31054281; internal data). In at least one individual the data is consistent with being in trans (on the opposite chromosome) from a pathogenic variant. ClinVar contains an entry for this variant (Variation ID: 987250). Invitae Evidence Modeling of protein sequence and biophysical properties (such as structural, functional, and spatial information, amino acid conservation, physicochemical variation, residue mobility, and thermodynamic stability) indicates that this missense variant is not expected to disrupt IFT140 protein function with a negative predictive value of 80%. For these reasons, this variant has been classified as Pathogenic.

GeneDx
Classification: Likely pathogenic. Last evaluated: 2023-10-18. Review status: criteria provided, single submitter. Criteria: GeneDx Variant Classification Process June 2021. Collection method: clinical testing. Allele origin: germline. Affected: yes.
Comment: In silico analysis supports that this missense variant has a deleterious effect on protein structure/function; This variant is associated with the following publications: (PMID: 29111861, 31054281, 26216056, 31964843)

3billion
Classification: Likely pathogenic for Retinitis pigmentosa 80. Last evaluated: 2022-05-22. Review status: criteria provided, single submitter. Criteria: ACMG Guidelines, 2015. Collection method: clinical testing. Allele origin: germline. Affected: yes. Observed: 1 heterozygote.
Comment: The variant is observed at an extremely low frequency in the gnomAD v2.1.1 dataset (total allele frequency: 0.002%). Protein truncation variants are a common disease-causing mechanism. Same nucleotide change resulting in same amino acid change has been previously reported as pathogenic/likely pathogenic with strong evidence (ClinVar ID: VCV000987250). Therefore, this variant is classified as likely pathogenic according to the recommendation of ACMG/AMP guideline.

Institute of Medical Genetics and Applied Genomics, University Hospital Tübingen
Classification: Pathogenic. Last evaluated: 2020-10-23. Review status: criteria provided, single submitter. Criteria: ACMG Guidelines, 2015. Collection method: clinical testing. Allele origin: germline. Inheritance: Unknown mechanism. Affected: yes.

Blueprint Genetics
Classification: Uncertain significance. Last evaluated: 2020-04-20. Review status: criteria provided, single submitter. Criteria: ACMG Guidelines, 2015. Collection method: clinical testing. Allele origin: germline.

Juno Genomics, Hangzhou Juno Genomics, Inc
Classification: Likely pathogenic for Retinitis pigmentosa 80. Review status: criteria provided, single submitter. Criteria: ACMG Guidelines, 2015. Collection method: clinical testing. Allele origin: germline.
Comment: Absent from controls (or at extremely low frequency if recessive) in Genome Aggregation Database.;For recessive disorders, detected in trans with a pathogenic variant.;Patient's phenotype or family history is highly specific for a disease with a single genetic etiology.

Literature cited by the submitters: PubMed 31054281 (cited by Women's Health and Genetics/Laboratory Corporation of America, LabCorp and Labcorp Genetics (formerly Invitae), Labcorp); PubMed 29111861 (cited by Women's Health and Genetics/Laboratory Corporation of America, LabCorp); PubMed 26216056 (cited by Women's Health and Genetics/Laboratory Corporation of America, LabCorp and Labcorp Genetics (formerly Invitae), Labcorp); PubMed 37734845 (cited by Women's Health and Genetics/Laboratory Corporation of America, LabCorp).